The following is an entry in ClinVar:

ClinVar aggregate classification (germline): Uncertain significance (1 of 4 stars; one submission).

Conditions:
Cardiovascular phenotype. Identifiers: MedGen CN230736.

gnomAD v4.1: 2 of 1,614,112 alleles (0.00012%); highest among the groups gnomAD compares: Non-Finnish European, 0.00017%; no homozygotes.

Submission:

Ambry Genetics
Classification: Uncertain significance for Cardiovascular phenotype. Last evaluated: 2025-05-14. Review status: criteria provided, single submitter. Criteria: Ambry Variant Classification Scheme 2023. Collection method: clinical testing. Allele origin: germline.
Comment: The p.E1774D variant (also known as c.5322G>T), located in coding exon 34 of the MYH6 gene, results from a G to T substitution at nucleotide position 5322. The glutamic acid at codon 1774 is replaced by aspartic acid, an amino acid with highly similar properties. This amino acid position is conserved. In addition, this alteration is predicted to be deleterious by in silico analysis. Based on the available evidence, the clinical significance of this variant remains unclear.

NM_002471.4(MYH6):c.5322G>T (p.Glu1774Asp)

Gene: MYH6 (myosin heavy chain 6; minus strand). Cytogenetic location: 14q11.2.
Variant type: single nucleotide variant.
Coding change: c.5322G>T on transcript NM_002471.4 (MANE Select); coding-DNA position 5322, G replaced by T.
Protein change: p.Glu1774Asp; replaces glutamic acid 1774 with aspartic acid.
Molecular consequence: missense variant.
Genome position (GRCh38, 1-based): chr14:23,384,685, C>A on the plus strand (G>T on the coding strand, the complement: MYH6 is on the minus strand). VCF-style: chr14-23384685-C-A. GRCh37 (hg19) VCF-style: chr14-23853894-C-A.
Other names: short protein forms E1774D.
Identifiers: ClinVar variation 3915598 (VCV003915598.1).